The following is an entry in ClinVar:

NM_181882.3(PRX):c.113G>A (p.Gly38Asp)

Genes: PRX (periaxin; minus strand), LOC130064454 (ATAC-STARR-seq lymphoblastoid active region 14650; plus strand). Cytogenetic location: 19q13.2.
Variant type: single nucleotide variant.
Coding change: c.113G>A on transcript NM_181882.3 (MANE Select); coding-DNA position 113, G replaced by A.
Protein change: p.Gly38Asp; replaces glycine 38 with aspartic acid.
Molecular consequence: missense variant.
Genome position (GRCh38, 1-based): chr19:40,403,777, C>T on the plus strand (G>A on the coding strand, the complement: PRX is on the minus strand). VCF-style: chr19-40403777-C-T. GRCh37 (hg19) VCF-style: chr19-40909684-C-T.
Other names: c.398G>A, p.Gly133Asp (NM_001411127.1); c.113G>A, p.Gly38Asp (NM_020956.2); short protein forms G133D, G38D.
Identifiers: ClinVar variation 2077129 (VCV002077129.4), dbSNP rs375488816, ClinGen allele CA9444581.

ClinVar aggregate classification (germline): Uncertain significance (1 of 4 stars; one submission).

Conditions:
Charcot-Marie-Tooth disease type 4. Also called: Charcot-Marie-Tooth disease, type IV; Charcot-Marie-Tooth, Type 4. Identifiers: Orphanet 64749, MedGen C4082197, MONDO:0018995.

Allele frequency attached by ClinVar (database versions not stated): TOPMed 0.00001; ESP Exome Variant Server 0.00008; gnomAD 0.00001; ExAC 0.00002; gnomAD exomes below 0.00001.
gnomAD v4.1: 5 of 1,602,228 alleles (0.00031%); highest among the groups gnomAD compares: African/African-American, 0.004%; no homozygotes.

Submission:

Labcorp Genetics (formerly Invitae), Labcorp
Classification: Uncertain significance for Charcot-Marie-Tooth disease type 4. Last evaluated: 2022-05-21. Review status: criteria provided, single submitter. Criteria: Invitae Variant Classification Sherloc (09022015). Collection method: clinical testing. Allele origin: germline.
Comment: This sequence change replaces glycine, which is neutral and non-polar, with aspartic acid, which is acidic and polar, at codon 38 of the PRX protein (p.Gly38Asp). The frequency data for this variant in the population databases is considered unreliable, as metrics indicate poor data quality at this position in the gnomAD database. In summary, the available evidence is currently insufficient to determine the role of this variant in disease. Therefore, it has been classified as a Variant of Uncertain Significance. Algorithms developed to predict the effect of missense changes on protein structure and function are either unavailable or do not agree on the potential impact of this missense change (SIFT: "Tolerated"; PolyPhen-2: "Probably Damaging"; Align-GVGD: "Class C0"). This variant has not been reported in the literature in individuals affected with PRX-related conditions.